The following is an entry in ClinVar:

NM_004370.6(COL12A1):c.993A>C (p.Glu331Asp)

Gene: COL12A1 (collagen type XII alpha 1 chain; minus strand). Cytogenetic location: 6q13.
Variant type: single nucleotide variant.
Coding change: c.993A>C on transcript NM_004370.6 (MANE Select); coding-DNA position 993, A replaced by C.
Protein change: p.Glu331Asp; replaces glutamic acid 331 with aspartic acid.
Molecular consequence: missense variant. On other transcripts: intron variant (2).
Genome position (GRCh38, 1-based): chr6:75,188,366, T>G on the plus strand (A>C on the coding strand, the complement: COL12A1 is on the minus strand). VCF-style: chr6-75188366-T-G. GRCh37 (hg19) VCF-style: chr6-75898082-T-G.
Other names: c.993A>C, p.Glu331Asp (NM_001424113.1, NM_001424114.1, NM_001424115.1); c.73+14354A>C (NM_001424116.1, NM_080645.3); short protein forms E331D.
Identifiers: ClinVar variation 2925742 (VCV002925742.3), dbSNP rs905826169, ClinGen allele CA141001131.

ClinVar aggregate classification (germline): Uncertain significance (1 of 4 stars; one submission).

Conditions:
Ullrich congenital muscular dystrophy 2 (UCMD2). Identifiers: Orphanet 75840, MedGen C4225314, MONDO:0014654, OMIM 616470.
Bethlem myopathy 2 (BTHLM2). Identifiers: Orphanet 536516, Orphanet 610, MedGen C4225313, MONDO:0034022, OMIM 616471.

Allele frequency attached by ClinVar (database versions not stated): TOPMed 0.00001.

Submission:

Labcorp Genetics (formerly Invitae), Labcorp
Classification: Uncertain significance for Bethlem myopathy 2; Ullrich congenital muscular dystrophy 2. Last evaluated: 2025-03-05. Review status: criteria provided, single submitter. Criteria: Invitae Variant Classification Sherloc (09022015). Collection method: clinical testing. Allele origin: germline.
Comment: This sequence change replaces glutamic acid, which is acidic and polar, with aspartic acid, which is acidic and polar, at codon 331 of the COL12A1 protein (p.Glu331Asp). This variant is not present in population databases (gnomAD no frequency). This variant has not been reported in the literature in individuals affected with COL12A1-related conditions. ClinVar contains an entry for this variant (Variation ID: 2925742). Invitae Evidence Modeling of protein sequence and biophysical properties (such as structural, functional, and spatial information, amino acid conservation, physicochemical variation, residue mobility, and thermodynamic stability) indicates that this missense variant is not expected to disrupt COL12A1 protein function with a negative predictive value of 80%. In summary, the available evidence is currently insufficient to determine the role of this variant in disease. Therefore, it has been classified as a Variant of Uncertain Significance.